The following is an entry in ClinVar:

NM_006509.4(RELB):c.1423G>A (p.Gly475Ser)

Gene: RELB (RELB proto-oncogene, NF-kB subunit; plus strand). Cytogenetic location: 19q13.32.
Variant type: single nucleotide variant.
Coding change: c.1423G>A on transcript NM_006509.4 (MANE Select); coding-DNA position 1423, G replaced by A.
Protein change: p.Gly475Ser; replaces glycine 475 with serine.
Molecular consequence: missense variant.
Genome position (GRCh38, 1-based): chr19:45,037,473, G>A. VCF-style: chr19-45037473-G-A. GRCh37 (hg19) VCF-style: chr19-45540731-G-A.
Other names: short protein forms G475S.
Identifiers: ClinVar variation 1399773 (VCV001399773.8), dbSNP rs755397378, ClinGen allele CA9507866.

ClinVar aggregate classification (germline): Uncertain significance (1 of 4 stars; one submission).

Allele frequency attached by ClinVar (database versions not stated): ExAC 0.00001; gnomAD 0.00001; gnomAD exomes 0.00001.

Submission:

Labcorp Genetics (formerly Invitae), Labcorp
Classification: Uncertain significance. Last evaluated: 2023-11-27. Review status: criteria provided, single submitter. Criteria: Invitae Variant Classification Sherloc (09022015). Collection method: clinical testing. Allele origin: germline.
Comment: This sequence change replaces glycine, which is neutral and non-polar, with serine, which is neutral and polar, at codon 475 of the RELB protein (p.Gly475Ser). The frequency data for this variant in the population databases is considered unreliable, as metrics indicate poor data quality at this position in the gnomAD database. This variant has not been reported in the literature in individuals affected with RELB-related conditions. ClinVar contains an entry for this variant (Variation ID: 1399773). Algorithms developed to predict the effect of missense changes on protein structure and function output the following: SIFT: "Not Available"; PolyPhen-2: "Benign"; Align-GVGD: "Not Available". The serine amino acid residue is found in multiple mammalian species, which suggests that this missense change does not adversely affect protein function. In summary, the available evidence is currently insufficient to determine the role of this variant in disease. Therefore, it has been classified as a Variant of Uncertain Significance.